The following is an entry in ClinVar:

ClinVar aggregate classification (germline): Uncertain significance (1 of 4 stars; one submission).

Conditions:
Pierpont syndrome (PRPTS). Identifiers: Orphanet 487825, MedGen C1865644, MONDO:0011213, OMIM 602342.

Submission:

Labcorp Genetics (formerly Invitae), Labcorp
Classification: Uncertain significance for Pierpont syndrome. Last evaluated: 2025-08-30. Review status: criteria provided, single submitter. Criteria: Invitae Variant Classification Sherloc (09022015). Collection method: clinical testing. Allele origin: germline.
Comment: This variant, c.327_353del, results in the deletion of 9 amino acid(s) of the TBL1XR1 protein (p.Ala110_Ala118del), but otherwise preserves the integrity of the reading frame. This variant is not present in population databases (gnomAD no frequency). This variant has not been reported in the literature in individuals affected with TBL1XR1-related conditions. ClinVar contains an entry for this variant (Variation ID: 2810556). Experimental studies and prediction algorithms are not available or were not evaluated, and the functional significance of this variant is currently unknown. In summary, the available evidence is currently insufficient to determine the role of this variant in disease. Therefore, it has been classified as a Variant of Uncertain Significance.

NM_024665.7(TBL1XR1):c.327_353del (p.Ala110_Ala118del)

Gene: TBL1XR1 (TBL1X/Y related 1; minus strand). Cytogenetic location: 3q26.32.
Variant type: Deletion.
Coding change: c.327_353del on transcript NM_024665.7 (MANE Select); coding-DNA positions 327 to 353, 27 bases deleted (AGCTGCTGCAGCTGCCGCAGCTGCAGC).
Protein change: p.Ala110_Ala118del.
Molecular consequence: inframe deletion.
Genome position (GRCh38, 1-based): chr3:177,051,578-177,051,604, GCTGCAGCTGCGGCAGCTGCAGCAGCT deleted on the plus strand (AGCTGCTGCAGCTGCCGCAGCTGCAGC on the coding strand, the reverse complement: TBL1XR1 is on the minus strand); deleting any 27 consecutive bases within chr3:177,051,578-177,051,609 gives the same sequence; the c. name uses the placement nearest the transcript's 3' end. VCF-style (leftmost placement, unchanged base first): chr3-177051577-GGCTGCAGCTGCGGCAGCTGCAGCAGCT-G. GRCh37 (hg19) VCF-style: chr3-176769365-GGCTGCAGCTGCGGCAGCTGCAGCAGCT-G.
Other names: c.327_353del, p.Ala110_Ala118del (NM_001321193.3, NM_001321194.3, NM_001374327.1 and 2 more transcripts); c.66_92del, p.Ala23_Ala31del (NM_001321195.3, NM_001374330.1).
Identifiers: ClinVar variation 2810556 (VCV002810556.3), dbSNP rs2473732966, ClinGen allele CA2739278494.
Genomic context (GRCh38, chr3:177,051,577, plus strand): 5'-TGCTCCATTCTCCTCCCCATTTGCTGTGTTTTCTCCATTTTTTGCAGATCCTTGTTGGCT[GGCTGCAGCTGCGGCAGCTGCAGCAGCT>G]GCTGCCTGTTGCTGTGCAAGCTTATCTCTATAAGCTTGTTGTCTTGTTTGTACTACATCA-3'